The following is an entry in ClinVar:

ClinVar aggregate classification (germline): Uncertain significance (1 of 4 stars; one submission).

Submission:

CeGaT Center for Human Genetics Tuebingen
Classification: Uncertain significance. Last evaluated: 2025-01-01. Review status: criteria provided, single submitter. Criteria: CeGaT Center For Human Genetics Tuebingen Variant Classification Criteria Version 2. Collection method: clinical testing. Allele origin: germline. Affected: yes. Observed: 1 variant allele.
Comment: HNRNPK: PM2, PP2

NM_031263.4(HNRNPK):c.1379A>G (p.Asp460Gly)

Gene: HNRNPK (heterogeneous nuclear ribonucleoprotein K; minus strand). Cytogenetic location: 9q21.32.
Variant type: single nucleotide variant.
Coding change: c.1379A>G on transcript NM_031263.4 (MANE Select); coding-DNA position 1379, A replaced by G.
Protein change: p.Asp460Gly; replaces aspartic acid 460 with glycine.
Molecular consequence: missense variant. On other transcripts: intron variant (3).
Genome position (GRCh38, 1-based): chr9:83,969,423, T>C on the plus strand (A>G on the coding strand, the complement: HNRNPK is on the minus strand). VCF-style: chr9-83969423-T-C. GRCh37 (hg19) VCF-style: chr9-86584338-T-C.
Other names: c.1307A>G, p.Asp436Gly (NM_001318187.2); c.1379A>G, p.Asp460Gly (NM_002140.5); c.1362-43A>G (NM_031262.4, NM_001318188.2); c.1290-43A>G (NM_001318186.2); short protein forms D436G, D460G.
Identifiers: ClinVar variation 3772213 (VCV003772213.13).